The following is an entry in ClinVar:

NM_018474.6(KIZ):c.906A>G (p.Glu302=)

Gene: KIZ (kizuna centrosomal protein; plus strand). Cytogenetic location: 20p11.23.
Variant type: single nucleotide variant.
Coding change: c.906A>G on transcript NM_018474.6 (MANE Select); coding-DNA position 906, A replaced by G.
Protein change: p.Glu302=; no amino-acid change (glutamic acid 302 retained).
Molecular consequence: synonymous variant.
Genome position (GRCh38, 1-based): chr20:21,162,371, A>G. VCF-style: chr20-21162371-A-G. GRCh37 (hg19) VCF-style: chr20-21143012-A-G.
Other names: c.597A>G, p.Glu199= (NM_001163022.3, NM_001352435.2); c.507A>G, p.Glu169= (NM_001163023.3); c.759A>G, p.Glu253= (NM_001276389.2); c.906A>G, p.Glu302= (NM_001352434.2); c.564A>G, p.Glu188= (NM_001352436.2); c.906A>G (NM_018474.5).
Identifiers: ClinVar variation 2077889 (VCV002077889.5), dbSNP rs760465667, ClinGen allele CA9784729.

ClinVar aggregate classification (germline): Likely benign. Review status: criteria provided, multiple submitters, no conflicts (2 of 4 stars). 2 submissions from 2 submitters: Likely benign (2). Last evaluated 2025-10-28.

Conditions:
KIZ-related disorder. Also called: KIZ-related condition.

Allele frequency attached by ClinVar (database versions not stated): gnomAD 0.00001; gnomAD exomes 0.00001; ExAC 0.00002; TOPMed 0.00002.
gnomAD v4.1: 22 of 1,613,800 alleles (0.0014%); highest among the groups gnomAD compares: Non-Finnish European, 0.0019%; no homozygotes.

Submissions (2):

PreventionGenetics, part of Exact Sciences
Classification: Likely benign for KIZ-related condition. Last evaluated: 2025-10-28. Review status: criteria provided, single submitter. Criteria: ACMG Guidelines, 2015. Collection method: clinical testing. Allele origin: germline.
Comment: This variant is classified as likely benign based on ACMG/AMP sequence variant interpretation guidelines (Richards et al. 2015 PMID: 25741868, with internal and published modifications).

Labcorp Genetics (formerly Invitae), Labcorp
Classification: Likely benign. Last evaluated: 2024-05-23. Review status: criteria provided, single submitter. Criteria: Invitae Variant Classification Sherloc (09022015). Collection method: clinical testing. Allele origin: germline.